The following is an entry in ClinVar:

ClinVar aggregate classification (germline): Pathogenic/Likely pathogenic. Review status: criteria provided, multiple submitters, no conflicts (2 of 4 stars). 4 submissions from 4 submitters: Pathogenic (1); Likely pathogenic (2). 1 of the submissions does not count toward it. Last evaluated 2024-11-22.

Conditions:
USH1C-related disorder. Also called: USH1C-related condition.
Autosomal recessive nonsyndromic hearing loss 18A. Also called: DEAFNESS, AUTOSOMAL RECESSIVE 18; Deafness, autosomal recessive 18A. Identifiers: Orphanet 90636, MedGen C1865870, MONDO:0011192, OMIM 602092.
Usher syndrome type 1C. Also called: USHER SYNDROME, TYPE I, ACADIAN VARIETY. Identifiers: Orphanet 231169, Orphanet 886, MedGen C1848604, MONDO:0010171, OMIM 276904.

gnomAD v4.1: 3 of 1,613,224 alleles (0.00019%); highest among the groups gnomAD compares: Non-Finnish European, 0.00025%; no homozygotes.

Submissions (4):

Labcorp Genetics (formerly Invitae), Labcorp
Classification: Pathogenic. Last evaluated: 2024-11-22. Review status: criteria provided, single submitter. Criteria: Invitae Variant Classification Sherloc (09022015). Collection method: clinical testing. Allele origin: germline.
Comment: This sequence change affects a donor splice site in intron 8 of the USH1C gene. It is expected to disrupt RNA splicing. Variants that disrupt the donor or acceptor splice site typically lead to a loss of protein function (PMID: 16199547), and loss-of-function variants in USH1C are known to be pathogenic (PMID: 10973247, 17407589, 20301442, 21203349). This variant is not present in population databases (gnomAD no frequency). Disruption of this splice site has been observed in individual(s) with Usher syndrome (PMID: 12107438; internal data). ClinVar contains an entry for this variant (Variation ID: 553492). Algorithms developed to predict the effect of sequence changes on RNA splicing suggest that this variant may disrupt the consensus splice site. For these reasons, this variant has been classified as Pathogenic.

Baylor Genetics
Classification: Likely pathogenic for Autosomal recessive nonsyndromic hearing loss 18A. Last evaluated: 2024-03-14. Review status: criteria provided, single submitter. Criteria: ACMG Guidelines, 2015. Collection method: clinical testing. Allele origin: unknown.

Blueprint Genetics
Classification: Likely pathogenic for USH1C-related disorders. Last evaluated: 2020-10-27. Review status: criteria provided, single submitter. Criteria: ACMG Guidelines, 2015. Collection method: clinical testing. Allele origin: germline. Affected: yes. Observed: 2 variant alleles.

Counsyl
Classification: Likely pathogenic for Usher syndrome type 1C; Autosomal recessive nonsyndromic hearing loss 18A. Last evaluated: 2017-08-22. Review status: no assertion criteria provided. Collection method: clinical testing. Allele origin: unknown. Not counted in ClinVar's aggregate classification.

Literature cited by the submitters: PubMed 16199547 (cited by Labcorp Genetics (formerly Invitae), Labcorp); PubMed 10973247 (cited by Labcorp Genetics (formerly Invitae), Labcorp); PubMed 17407589 (cited by Labcorp Genetics (formerly Invitae), Labcorp); PubMed 20301442 (cited by Labcorp Genetics (formerly Invitae), Labcorp); PubMed 21203349 (cited by Labcorp Genetics (formerly Invitae), Labcorp); PubMed 12107438 (cited by Labcorp Genetics (formerly Invitae), Labcorp).

NM_153676.4(USH1C):c.674+1G>A

Gene: USH1C (USH1 protein network component harmonin; minus strand). Cytogenetic location: 11p15.1.
Variant type: single nucleotide variant.
Coding change: c.674+1G>A on transcript NM_153676.4 (MANE Select); the canonical splice donor site of the intron after coding-DNA position 674, G replaced by A.
Molecular consequence: splice donor variant.
Genome position (GRCh38, 1-based): chr11:17,526,346, C>T on the plus strand (G>A on the coding strand, the complement: USH1C is on the minus strand). VCF-style: chr11-17526346-C-T. GRCh37 (hg19) VCF-style: chr11-17547893-C-T.
Other names: c.674+1G>A (NM_001297764.2, NM_005709.4).
Identifiers: ClinVar variation 553492 (VCV000553492.13), dbSNP rs775496999, ClinGen allele CA379793102.
Genomic context (GRCh38, chr11:17,526,346, plus strand): 5'-CAATAGGGGCCTGCTGGGGTGCACTGGCCACGAATGACCCCAGGGCATGCCTGCCACCCA[C>T]CTGCAGCCAAGGCCTCGGGAGCCTACCAGGCTGATGAAGACCTTCTTCTCCTTGTTTTCC-3'